The following is an entry in ClinVar:

ClinVar aggregate classification (germline): Conflicting classifications of pathogenicity. Review status: criteria provided, conflicting classifications (1 of 4 stars). 8 submissions from 8 submitters: Likely pathogenic (7); Uncertain significance (1). Last evaluated 2025-11-18.

Conditions:
Inborn genetic diseases. Identifiers: MedGen C0950123, MeSH D030342.
Pyridoxine-dependent epilepsy (EPEO4). Also called: EPILEPSY, EARLY-ONSET, 4, VITAMIN B6-DEPENDENT; PYRIDOXINE DEPENDENCY WITH SEIZURES; Pyridoxine-Dependent Seizures; Pyridoxine-Dependent Epilepsy - ALDH7A1. Identifiers: Orphanet 3006, MedGen C1849508, MONDO:0009945, OMIM 266100. Disease mechanism: loss of function.

Allele frequency attached by ClinVar (database versions not stated): gnomAD 0.00001; ExAC 0.00002.
gnomAD v4.1: 30 of 1,613,786 alleles (0.0019%); highest among the groups gnomAD compares: South Asian, 0.0055%; no homozygotes.

Submissions (8):

Labcorp Genetics (formerly Invitae), Labcorp
Classification: Likely pathogenic for Pyridoxine-dependent epilepsy. Last evaluated: 2025-11-18. Review status: criteria provided, single submitter. Criteria: Invitae Variant Classification Sherloc (09022015). Collection method: clinical testing. Allele origin: germline.
Comment: This sequence change replaces proline, which is neutral and non-polar, with leucine, which is neutral and non-polar, at codon 411 of the ALDH7A1 protein (p.Pro411Leu). This variant is present in population databases (rs780233639, gnomAD 0.003%). This missense change has been observed in individual(s) with pyridoxine-dependent epilepsy (PMID: 22371912). ClinVar contains an entry for this variant (Variation ID: 429577). Invitae Evidence Modeling of protein sequence and biophysical properties (such as structural, functional, and spatial information, amino acid conservation, physicochemical variation, residue mobility, and thermodynamic stability) indicates that this missense variant is expected to disrupt ALDH7A1 protein function with a positive predictive value of 95%. In summary, the currently available evidence indicates that the variant is pathogenic, but additional data are needed to prove that conclusively. Therefore, this variant has been classified as Likely Pathogenic.

GeneDx
Classification: Likely pathogenic. Last evaluated: 2025-07-29. Review status: criteria provided, single submitter. Criteria: GeneDx Variant Classification Process June 2021. Collection method: clinical testing. Allele origin: germline. Affected: yes.
Comment: Reported in a patient with pyridoxine-dependent epilepsy who harbored a second variant in the ALDH7A1 gene but it is not clear whether phase of these variants was determined in this study (PMID: 22371912); In silico analysis supports that this missense variant has a deleterious effect on protein structure/function; Not observed at significant frequency in large population cohorts (gnomAD); This variant is associated with the following publications: (PMID: 22371912, 32956737, Verbeek2017[abstract], Ayca2019[article], Ambegaonkar2017[abstract])

Fulgent Genetics
Classification: Likely pathogenic for Pyridoxine-dependent epilepsy. Last evaluated: 2024-03-05. Review status: criteria provided, single submitter. Criteria: ACMG Guidelines, 2015. Collection method: clinical testing. Allele origin: germline.

Women's Health and Genetics/Laboratory Corporation of America, LabCorp
Classification: Likely pathogenic for Pyridoxine-dependent epilepsy. Last evaluated: 2023-08-03. Review status: criteria provided, single submitter. Criteria: LabCorp Variant Classification Summary - May 2015. Collection method: clinical testing. Allele origin: germline.
Comment: Variant summary: ALDH7A1 c.1232C>T (p.Pro411Leu) results in a non-conservative amino acid change located in the Aldehyde dehydrogenase domain (IPR015590) of the encoded protein sequence. Five of five in-silico tools predict a damaging effect of the variant on protein function. The variant allele was found at a frequency of 1.6e-05 in 251210 control chromosomes. c.1232C>T has been reported at either a compound heterozygous or homozygous state in at-least three individuals affected with Pyridoxine-Dependent Epilepsy (examples: Nam_2012, Ayca_2019, Ambegaonkar_2017). In at-least one occurrence, this variant has been reported in trans along with an apparently pathogenic variant (Ambegaonkar_2017). These data indicate that the variant is likely to be associated with disease. To our knowledge, no experimental evidence demonstrating an impact on protein function has been reported. The following publications have been ascertained in the context of this evaluation (PMID: 22371912, Ayca_2019 and Ambegaonkar - no available PMID). Five submitters have cited clinical-significance assessments for this variant to ClinVar after 2014 (Likely pathogenic: n=4; VUS: n=1). Based on the evidence outlined above, the variant was classified as likely pathogenic.

Clinical Genetics Laboratory, Skane University Hospital Lund
Classification: Likely pathogenic. Last evaluated: 2022-05-27. Review status: criteria provided, single submitter. Criteria: ACMG Guidelines, 2015. Collection method: clinical testing. Allele origin: germline. Affected: yes.

Foundation for Research in Genetics and Endocrinology, FRIGE's Institute of Human Genetics
Classification: Likely pathogenic for Pyridoxine-dependent epilepsy. Last evaluated: 2021-05-21. Review status: criteria provided, single submitter. Criteria: ACMG Guidelines, 2015. Collection method: research. Allele origin: biparental. Inheritance: Autosomal recessive inheritance. Affected: yes. Observed: 1 homozygote.
Comment: A homozygous missense variation in exon 14 of the ALDH7A1 gene that results in the amino acid substitution of Leucine for Proline at codon 411 was detected. The observed variant c.1232C>T (p.Pro411Leu) has not been reported in the 1000 genomes and has a MAF of 0.001% in the gnomAD databases. The in silico prediction of the variant are probably damaging by PolyPhen-2 (HumDiv) and damaging by SIFT, LRT and MutationTaster2. The reference codon is conserved across species. Segregation analysis showed biparental inheritance. In summary, the variant meets our criteria to be classified as likely pathogenic.

CeGaT Center for Human Genetics Tuebingen
Classification: Likely pathogenic. Last evaluated: 2019-12-01. Review status: criteria provided, single submitter. Criteria: CeGaT Center For Human Genetics Tuebingen Variant Classification Criteria Version 2. Collection method: clinical testing. Allele origin: germline. Affected: yes. Observed: 1 variant allele.

Ambry Genetics
Classification: Uncertain significance for Inborn genetic diseases. Last evaluated: 2017-02-22. Review status: criteria provided, single submitter. Criteria: Ambry Variant Classification Scheme 2023. Collection method: clinical testing. Allele origin: germline.
Comment: The p.P411L variant (also known as c.1232C>T), located in coding exon 14 of the ALDH7A1 gene, results from a C to T substitution at nucleotide position 1232. The proline at codon 411 is replaced by leucine, an amino acid with similar properties. This amino acid position is highly conserved in available vertebrate species. In addition, this alteration is predicted to be deleterious by in silico analysis. Since supporting evidence is limited at this time, the clinical significance of this alteration remains unclear.

Literature cited by the submitters: PubMed 22371912 (cited by 3 submitters).

NM_001182.5(ALDH7A1):c.1232C>T (p.Pro411Leu)

Gene: ALDH7A1 (aldehyde dehydrogenase 7 family member A1; minus strand). Cytogenetic location: 5q23.2.
Variant type: single nucleotide variant.
Coding change: c.1232C>T on transcript NM_001182.5 (MANE Select); coding-DNA position 1232, C replaced by T.
Protein change: p.Pro411Leu; replaces proline 411 with leucine.
Molecular consequence: missense variant.
Genome position (GRCh38, 1-based): chr5:126,552,106, G>A on the plus strand (C>T on the coding strand, the complement: ALDH7A1 is on the minus strand). VCF-style: chr5-126552106-G-A. GRCh37 (hg19) VCF-style: chr5-125887798-G-A.
Other names: (p.Pro411Leu); c.1148C>T, p.Pro383Leu (NM_001201377.2); c.1040C>T, p.Pro347Leu (NM_001202404.2); short protein forms P411L, P383L, P347L.
Identifiers: ClinVar variation 429577 (VCV000429577.57), dbSNP rs780233639, ClinGen allele CA3389477.